The following is an entry in ClinVar:

NM_014141.6(CNTNAP2):c.1430A>G (p.Asp477Gly)

Gene: CNTNAP2 (contactin associated protein 2; plus strand). Cytogenetic location: 7q35.
Variant type: single nucleotide variant.
Coding change: c.1430A>G on transcript NM_014141.6 (MANE Select); coding-DNA position 1430, A replaced by G.
Protein change: p.Asp477Gly; replaces aspartic acid 477 with glycine.
Molecular consequence: missense variant.
Genome position (GRCh38, 1-based): chr7:147,300,222, A>G. VCF-style: chr7-147300222-A-G. GRCh37 (hg19) VCF-style: chr7-146997314-A-G.
Other names: short protein forms D477G.
Identifiers: ClinVar variation 1398384 (VCV001398384.8), dbSNP rs1794918008, ClinGen allele CA369925209.

ClinVar aggregate classification (germline): Uncertain significance (1 of 4 stars; one submission).

Conditions:
Cortical dysplasia-focal epilepsy syndrome (PTHSL1). Also called: Pitt-Hopkins-like syndrome 1. Identifiers: Orphanet 163681, Orphanet 221150, MedGen C2750246, MONDO:0012400, OMIM 610042.

Submission:

Labcorp Genetics (formerly Invitae), Labcorp
Classification: Uncertain significance for Cortical dysplasia-focal epilepsy syndrome. Last evaluated: 2022-07-19. Review status: criteria provided, single submitter. Criteria: Invitae Variant Classification Sherloc (09022015). Collection method: clinical testing. Allele origin: germline.
Comment: In summary, the available evidence is currently insufficient to determine the role of this variant in disease. Therefore, it has been classified as a Variant of Uncertain Significance. Algorithms developed to predict the effect of sequence changes on RNA splicing suggest that this variant may create or strengthen a splice site. Algorithms developed to predict the effect of missense changes on protein structure and function are either unavailable or do not agree on the potential impact of this missense change (SIFT: "Deleterious"; PolyPhen-2: "Possibly Damaging"; Align-GVGD: "Class C0"). ClinVar contains an entry for this variant (Variation ID: 1398384). This variant has not been reported in the literature in individuals affected with CNTNAP2-related conditions. This variant is not present in population databases (gnomAD no frequency). This sequence change replaces aspartic acid, which is acidic and polar, with glycine, which is neutral and non-polar, at codon 477 of the CNTNAP2 protein (p.Asp477Gly).